The following is an entry in ClinVar:

ClinVar aggregate classification (germline): Likely benign. Review status: criteria provided, multiple submitters, no conflicts (2 of 4 stars). 2 submissions from 2 submitters: Likely benign (2). Last evaluated 2026-09-22.

Conditions:
Neurofibromatosis, type 1 (NF1). Also called: VON RECKLINGHAUSEN DISEASE; Peripheral type neurofibromatosis; Neurofibromatosis, type I; NEUROFIBROMATOSIS, TYPE I, SOMATIC. Identifiers: Orphanet 636, MedGen C0027831, MONDO:0018975, OMIM 162200. Disease mechanism: loss of function.

Submissions (2):

Myriad Genetics, Inc.
Classification: Likely benign for Neurofibromatosis, type 1. Last evaluated: 2026-09-22. Review status: criteria provided, single submitter. Criteria: Myriad Autosomal Dominant, Autosomal Recessive and X-Linked Classification Criteria (2023). Collection method: clinical testing. Allele origin: unknown.
Comment: This variant is considered likely benign. This variant is intronic and is not expected to impact mRNA splicing.

Labcorp Genetics (formerly Invitae), Labcorp
Classification: Likely benign for Neurofibromatosis, type 1. Last evaluated: 2025-11-12. Review status: criteria provided, single submitter. Criteria: Invitae Variant Classification Sherloc (09022015). Collection method: clinical testing. Allele origin: germline.

NM_001042492.3(NF1):c.1642-20C>T

Gene: NF1 (neurofibromin 1; plus strand). Cytogenetic location: 17q11.2.
Variant type: single nucleotide variant.
Coding change: c.1642-20C>T on transcript NM_001042492.3 (MANE Select); 20 bases into the intron before coding-DNA position 1642, C replaced by T.
Molecular consequence: intron variant.
Genome position (GRCh38, 1-based): chr17:31,221,830, C>T. VCF-style: chr17-31221830-C-T. GRCh37 (hg19) VCF-style: chr17-29548848-C-T.
Other names: c.1642-20C>T (NM_000267.4, NM_001128147.3).
Identifiers: ClinVar variation 2042148 (VCV002042148.5), dbSNP rs1446556987, ClinGen allele CA625469005.
Genomic context (GRCh38, chr17:31,221,830, plus strand): 5'-AATAAGTACTCCAGTGTTATGTTTACCAAAAATGTTTGAGTGAGTCTTCTCTTTGTCTTT[C>T]TCTTTTTTAAAAAATTCAGGCTCTGCTGGTTCTTCATCAGTTAGATAGCATTGATTTGTG-3'